The following is an entry in ClinVar:

NM_001135649.3(FOXI3):c.210_247del (p.Ala72fs)

Gene: FOXI3 (forkhead box I3; minus strand). Cytogenetic location: 2p11.2.
Variant type: Deletion.
Coding change: c.210_247del on transcript NM_001135649.3 (MANE Select); coding-DNA positions 210 to 247, 38 bases deleted.
Protein change: p.Ala72fs; shifts the reading frame from alanine 72.
Molecular consequence: frameshift variant.
Genome position (GRCh38, 1-based): chr2:88,452,289-88,452,326, 38 bases deleted; deleting any 38 consecutive bases within chr2:88,452,289-88,452,341 gives the same sequence; the c. name uses the placement nearest the transcript's 3' end. GRCh37 (hg19): chr2:88,751,822-88,751,859.
Other names: short protein forms A72fs.
Identifiers: ClinVar variation 2122031 (VCV002122031.4), dbSNP rs2528917391, ClinGen allele CA2580068343.

ClinVar aggregate classification (germline): Uncertain significance (1 of 4 stars; one submission).

Submission:

Labcorp Genetics (formerly Invitae), Labcorp
Classification: Uncertain significance. Last evaluated: 2022-08-23. Review status: criteria provided, single submitter. Criteria: Invitae Variant Classification Sherloc (09022015). Collection method: clinical testing. Allele origin: germline.
Comment: The frequency data for this variant in the population databases is considered unreliable, as metrics indicate insufficient coverage at this position in the gnomAD database. In summary, the available evidence is currently insufficient to determine the role of this variant in disease. Therefore, it has been classified as a Variant of Uncertain Significance. Experimental studies and prediction algorithms are not available or were not evaluated, and the functional significance of this variant is currently unknown. This variant has not been reported in the literature in individuals affected with FOXI3-related conditions. This sequence change creates a premature translational stop signal (p.Ala72Profs*94) in the FOXI3 gene. It is expected to result in an absent or disrupted protein product. However, the current clinical and genetic evidence is not sufficient to establish whether loss-of-function variants in FOXI3 cause disease.